The following is an entry in ClinVar:

NC_000004.11:g.(?_5576402)_(5576509_?)del

Gene: EVC2 (EvC ciliary complex subunit 2; minus strand). Cytogenetic location: 4p16.2.
Variant type: Deletion.
Identifiers: ClinVar variation 2427344 (VCV002427344.3).

ClinVar aggregate classification (germline): Pathogenic (1 of 4 stars; one submission).

Conditions:
Curry-Hall syndrome (WAD). Also called: WEYERS ACRODENTAL DYSOSTOSIS. Identifiers: Orphanet 952, MedGen C0457013, MONDO:0008673, OMIM 193530.
Ellis-van Creveld syndrome (EVC). Also called: MESOECTODERMAL DYSPLASIA; EVC-Related Ellis-van Creveld Syndrome; EVC2-Related Ellis-van Creveld Syndrome; Chondroectodermal dysplasia. Identifiers: Orphanet 289, MedGen C0013903, MONDO:0009162, OMIM 225500.

Submission:

Labcorp Genetics (formerly Invitae), Labcorp
Classification: Pathogenic for Curry-Hall syndrome; Ellis-van Creveld syndrome. Last evaluated: 2021-12-17. Review status: criteria provided, single submitter. Criteria: Invitae Variant Classification Sherloc (09022015). Collection method: clinical testing. Allele origin: germline.
Comment: This variant is a gross deletion of the genomic region encompassing exon(s) 19 of the EVC2 gene. This deletion is out-of-frame, and is expected to create a premature termination codon and result in an absent or disrupted protein product. Loss-of-function variants in EVC2 are known to be pathogenic (PMID: 17024374, 19810119, 19876929). This variant has not been reported in the literature in individuals affected with EVC2-related conditions. For these reasons, this variant has been classified as Pathogenic.

Literature cited by the submitters: PubMed 17024374; PubMed 19810119; PubMed 19876929.